The following continues an entry in ClinVar:

NM_000297.4(PKD2):c.1094+3_1094+6del

Gene: PKD2. ClinVar aggregate classification (germline): Pathogenic/Likely pathogenic. Pathogenic (8); Likely pathogenic (4).

Submissions 13 to 14 of 14:

PreventionGenetics, part of Exact Sciences
Classification: Pathogenic for PKD2-related condition. Last evaluated: 2024-06-03. Review status: no assertion criteria provided. Collection method: clinical testing. Allele origin: germline. Not counted in ClinVar's aggregate classification.
Comment: The PKD2 c.1094+3_1094+6delAAGT variant is predicted to result in an intronic deletion. In addition, RNA studies have shown that this variant leads to a loss of the canonical splice donor site and incorporation of intron 4 into the sequence (Figure 1C, Rossetti et al. 2007. PubMed ID: 17582161). In the literature this variant is also referred to as IVS4+3del4 or IVS4+1del4 or c.1094+1_1094+4del. This variant has been reported in individuals with autosomal dominant polycystic kidney disease (ADPKD) (Magistroni et al. 2003. PubMed ID: 12707387; Rossetti et al. 2007. PubMed ID: 17582161; Tan et al. 2009. PubMed ID: 18837007; He et al. 2018. PubMed ID: 30333007; Xu et al. 2018. PubMed ID: 29529603; Xu et al. 2021. PubMed ID: 34101167). This variant has also been reported as likely pathogenic in an ADPKD database. We interpret this variant as pathogenic. This finding is consistent with the diagnosis of PKD in this patient.

Department of Pathology and Laboratory Medicine, Sinai Health System
Classification: Pathogenic for Polycystic Kidney disease. Review status: no assertion criteria provided. Collection method: clinical testing. Allele origin: unknown. Affected: yes. Study: The Canadian Open Genetics Repository (COGR). Not counted in ClinVar's aggregate classification.
Comment: The PKD2 c.1094+3_1094+6delAAGT variant was identified in 8 of 1056 proband chromosomes (frequency: 0.008) from individuals or families with ADPKD (Magistroni 2003, Tan 2009, Rossetti 2007, Rossetti 2012). Rosetti et al (2007) used RT-PCR analysis on lymphoblast cell lines to show that the variant abolished the normal donor site and the deletion produced a product that incorporated all or part of IVS4 into the sequence. In silico splicing models also confirm a splicing defect in a study characterizing the pathogenic potential of unclassified variants (Tan 2009). The variant was identified in the ADPKD Mutation Database (classification highly likely pathogenic), but was not identified in dbSNP, Clinvitae, ClinVar, GeneInsight COGR, PKD2-LOVD, 1000 Genomes Project, NHLBI GO Exome Sequencing Project, or in the Exome Aggregation Consortium database (March 14, 2016). The c.1094+3_1094+6delAAGT variant is located in the 5' splice region but does not affect the invariant +1 and +2 positions. However, positions +3 to +6 are part of the splicing consensus sequence and variants involving these positions sometimes affect splicing. In addition, 5 of 5 in silico or computational prediction software programs (SpliceSiteFinder, MaxEntScan, NNSPLICE, GeneSplicer, HumanSpliceFinder) predict a greater than 10% difference in splicing, predicting the abolishment of the 5â€šÃ„Ã´ consensus splice site. The variant is predicted to lead to a truncated or absent protein and loss of function. Loss of function variants of the PKD2 gene are an established mechanism of disease in autosomal dominant polycystic kidney disease and is the type of variant expected to cause the disorder. In summary, based on the above information, this variant meets our laboratoryâ€šÃ„Ã´s criteria to be classified as pathogenic.

Literature cited by the submitters: PubMed 22508176 (cited by Victorian Clinical Genetics Services, Murdoch Childrens Research Institute); PubMed 35778421 (cited by Victorian Clinical Genetics Services, Murdoch Childrens Research Institute and Labcorp Genetics (formerly Invitae), Labcorp); PubMed 17582161 (cited by Victorian Clinical Genetics Services, Murdoch Childrens Research Institute); PubMed 12707387 (cited by Labcorp Genetics (formerly Invitae), Labcorp and Ambry Genetics); PubMed 29529603 (cited by Labcorp Genetics (formerly Invitae), Labcorp and Ambry Genetics); PubMed 30333007 (cited by Labcorp Genetics (formerly Invitae), Labcorp and Ambry Genetics); PubMed 37372416 (cited by Labcorp Genetics (formerly Invitae), Labcorp); PubMed 17576681 (cited by Labcorp Genetics (formerly Invitae), Labcorp); PubMed 9536098 (cited by Labcorp Genetics (formerly Invitae), Labcorp); PubMed 18837007 (cited by Ambry Genetics); PubMed 22383692 (cited by Ambry Genetics); PubMed 34101167 (cited by Ambry Genetics).